The following is an entry in ClinVar:

ClinVar aggregate classification (germline): Uncertain significance (1 of 4 stars; one submission).

Conditions:
Catecholaminergic polymorphic ventricular tachycardia 1. Also called: RYR2-Related Catecholaminergic Polymorphic Ventricular Tachycardia; VENTRICULAR TACHYCARDIA, CATECHOLAMINERGIC POLYMORPHIC, 1, WITH OR WITHOUT ATRIAL DYSFUNCTION AND/OR DILATED CARDIOMYOPATHY; VENTRICULAR TACHYCARDIA, STRESS-INDUCED POLYMORPHIC 1. Identifiers: Orphanet 3286, MedGen C1631597, MONDO:0011484, OMIM 604772.

gnomAD v4.1: 2 of 1,613,848 alleles (0.00012%); highest among the groups gnomAD compares: Non-Finnish European, 0.00017%; no homozygotes.

Submission:

Labcorp Genetics (formerly Invitae), Labcorp
Classification: Uncertain significance for Catecholaminergic polymorphic ventricular tachycardia 1. Last evaluated: 2019-06-27. Review status: criteria provided, single submitter. Criteria: Invitae Variant Classification Sherloc (09022015). Collection method: clinical testing. Allele origin: germline.
Comment: This sequence change replaces aspartic acid with glutamic acid at codon 1460 of the RYR2 protein (p.Asp1460Glu). The aspartic acid residue is highly conserved and there is a small physicochemical difference between aspartic acid and glutamic acid. This variant is not present in population databases (ExAC no frequency). This variant has not been reported in the literature in individuals with RYR2-related conditions. Algorithms developed to predict the effect of missense changes on protein structure and function are either unavailable or do not agree on the potential impact of this missense change (SIFT: "Deleterious"; PolyPhen-2: "Benign"; Align-GVGD: "Class C35"). In summary, the available evidence is currently insufficient to determine the role of this variant in disease. Therefore, it has been classified as a Variant of Uncertain Significance.

NM_001035.3(RYR2):c.4380C>A (p.Asp1460Glu)

Gene: RYR2 (ryanodine receptor 2; plus strand). Cytogenetic location: 1q43.
Variant type: single nucleotide variant.
Coding change: c.4380C>A on transcript NM_001035.3 (MANE Select); coding-DNA position 4380, C replaced by A.
Protein change: p.Asp1460Glu; replaces aspartic acid 1460 with glutamic acid.
Molecular consequence: missense variant.
Genome position (GRCh38, 1-based): chr1:237,593,580, C>A. VCF-style: chr1-237593580-C-A. GRCh37 (hg19) VCF-style: chr1-237756880-C-A.
Other names: short protein forms D1460E.
Identifiers: ClinVar variation 937111 (VCV000937111.11), dbSNP rs1675476028, ClinGen allele CA345399909.